The following is an entry in ClinVar:

NM_014727.3(KMT2B):c.4666C>G (p.Pro1556Ala)

Gene: KMT2B (lysine methyltransferase 2B; plus strand). Cytogenetic location: 19q13.12.
Variant type: single nucleotide variant.
Coding change: c.4666C>G on transcript NM_014727.3 (MANE Select); coding-DNA position 4666, C replaced by G.
Protein change: p.Pro1556Ala; replaces proline 1556 with alanine.
Molecular consequence: missense variant.
Genome position (GRCh38, 1-based): chr19:35,728,868, C>G. VCF-style: chr19-35728868-C-G. GRCh37 (hg19) VCF-style: chr19-36219769-C-G.
Other names: short protein forms P1556A.
Identifiers: ClinVar variation 3658877 (VCV003658877.2).

ClinVar aggregate classification (germline): Uncertain significance (1 of 4 stars; one submission).

Submission:

Labcorp Genetics (formerly Invitae), Labcorp
Classification: Uncertain significance. Last evaluated: 2024-07-06. Review status: criteria provided, single submitter. Criteria: Invitae Variant Classification Sherloc (09022015). Collection method: clinical testing. Allele origin: germline.
Comment: This sequence change replaces proline, which is neutral and non-polar, with alanine, which is neutral and non-polar, at codon 1556 of the KMT2B protein (p.Pro1556Ala). This variant is not present in population databases (gnomAD no frequency). This variant has not been reported in the literature in individuals affected with KMT2B-related conditions. Advanced modeling of protein sequence and biophysical properties (such as structural, functional, and spatial information, amino acid conservation, physicochemical variation, residue mobility, and thermodynamic stability) performed at Invitae indicates that this missense variant is not expected to disrupt KMT2B protein function with a negative predictive value of 95%. In summary, the available evidence is currently insufficient to determine the role of this variant in disease. Therefore, it has been classified as a Variant of Uncertain Significance.